The following is an entry in ClinVar:

ClinVar aggregate classification (germline): Benign/Likely benign. Review status: criteria provided, multiple submitters, no conflicts (2 of 4 stars). 2 submissions from 2 submitters: Benign (1); Likely benign (1). Last evaluated 2026-01-27.

Conditions:
Spastic paraplegia. Identifiers: MedGen C0037772, HP:0001258.

Allele frequency attached by ClinVar (database versions not stated): TOPMed 0.00002; gnomAD 0.00005; gnomAD exomes 0.00017 and 0.00037; ExAC 0.00046.
gnomAD v4.1: 187 of 1,211,105 alleles (0.015%); highest among the groups gnomAD compares: South Asian, 0.32%; 1 homozygote.

Submissions (2):

Labcorp Genetics (formerly Invitae), Labcorp
Classification: Benign for Spastic paraplegia. Last evaluated: 2026-01-27. Review status: criteria provided, single submitter. Criteria: Invitae Variant Classification Sherloc (09022015). Collection method: clinical testing. Allele origin: germline.

CeGaT Center for Human Genetics Tuebingen
Classification: Likely benign. Last evaluated: 2024-01-01. Review status: criteria provided, single submitter. Criteria: CeGaT Center For Human Genetics Tuebingen Variant Classification Criteria Version 2. Collection method: clinical testing. Allele origin: germline. Affected: yes. Observed: 1 variant allele.
Comment: L1CAM: BP4, BP7, BS2

NM_001278116.2(L1CAM):c.3441G>A (p.Lys1147=)

Gene: L1CAM (L1 cell adhesion molecule; minus strand). Cytogenetic location: Xq28.
Variant type: single nucleotide variant.
Coding change: c.3441G>A on transcript NM_001278116.2 (MANE Select); coding-DNA position 3441, G replaced by A.
Protein change: p.Lys1147=; no amino-acid change (lysine 1147 retained).
Molecular consequence: synonymous variant.
Genome position (GRCh38, 1-based): chrX:153,863,899, C>T on the plus strand (G>A on the coding strand, the complement: L1CAM is on the minus strand). VCF-style: chrX-153863899-C-T. GRCh37 (hg19) VCF-style: chrX-153129354-C-T.
Other names: c.3441G>A, p.Lys1147= (NM_000425.5, NM_024003.3); c.3426G>A, p.Lys1142= (NM_001143963.2).
Identifiers: ClinVar variation 1569831 (VCV001569831.30), dbSNP rs199661695, ClinGen allele CA10553960.